The following is an entry in ClinVar:

NM_000466.3(PEX1):c.2280_2281insG (p.Ile761fs)

Gene: PEX1 (peroxisomal biogenesis factor 1; minus strand). Cytogenetic location: 7q21.2.
Variant type: Insertion.
Coding change: c.2280_2281insG on transcript NM_000466.3 (MANE Select); coding-DNA positions 2280 to 2281, G inserted.
Protein change: p.Ile761fs; shifts the reading frame from isoleucine 761.
Molecular consequence: frameshift variant.
Genome position: GRCh38 VCF-style: chr7-92502025-T-TC. GRCh37 (hg19) VCF-style: chr7-92131339-T-TC.
Other names: c.2109_2110insG, p.Ile704fs (NM_001282677.2); c.1656_1657insG, p.Ile553fs (NM_001282678.2); short protein forms I553fs, I704fs, I761fs.
Identifiers: ClinVar variation 1723945 (VCV001723945.3), dbSNP rs2484661854, ClinGen allele CA2580077810.

ClinVar aggregate classification (germline): Likely pathogenic (1 of 4 stars; one submission).

Conditions:
Peroxisome biogenesis disorder. Identifiers: Orphanet 79189, MedGen C1832200, MONDO:0019234. Disease mechanism: loss of function.

Submission:

Myriad Genetics, Inc.
Classification: Likely pathogenic for Peroxisome biogenesis disorder. Last evaluated: 2021-11-02. Review status: criteria provided, single submitter. Criteria: Myriad Autosomal Dominant, Autosomal Recessive and X-Linked Classification Criteria (2023). Collection method: clinical testing. Allele origin: unknown.
Comment: NM_000466.2(PEX1):c.2280_2281insG(I761Dfs*8) is expected to be pathogenic in the context of peroxisome biogenesis disorder type 1. This variant is predicted to lead to an abnormal or absent protein product due to the creation of a premature termination codon in PEX1, a gene where loss-of-function variants are known to be pathogenic. Please note: this variant was assessed in the context of healthy population screening.